The following is an entry in ClinVar:

NM_007126.5(VCP):c.511A>G (p.Ser171Gly)

Gene: VCP (valosin containing protein; minus strand). Cytogenetic location: 9p13.3.
Variant type: single nucleotide variant.
Coding change: c.511A>G on transcript NM_007126.5 (MANE Select); coding-DNA position 511, A replaced by G.
Protein change: p.Ser171Gly; replaces serine 171 with glycine.
Molecular consequence: missense variant.
Genome position (GRCh38, 1-based): chr9:35,065,316, T>C on the plus strand (A>G on the coding strand, the complement: VCP is on the minus strand). VCF-style: chr9-35065316-T-C. GRCh37 (hg19) VCF-style: chr9-35065313-T-C.
Other names: c.376A>G, p.Ser126Gly (NM_001354927.2, NM_001354928.2); short protein forms S126G, S171G.
Identifiers: ClinVar variation 3371790 (VCV003371790.1).

ClinVar aggregate classification (germline): Uncertain significance (1 of 4 stars; one submission).

Submission:

GeneDx
Classification: Uncertain significance. Last evaluated: 2024-03-28. Review status: criteria provided, single submitter. Criteria: GeneDx Variant Classification Process June 2021. Collection method: clinical testing. Allele origin: germline. Affected: yes.
Comment: Not observed at significant frequency in large population cohorts (gnomAD); In silico analysis supports that this missense variant does not alter protein structure/function; Has not been previously published as pathogenic or benign to our knowledge